The following is an entry in ClinVar:

NM_015271.5(TRIM2):c.1402C>T (p.Pro468Ser)

Gene: TRIM2 (tripartite motif containing 2; plus strand). Cytogenetic location: 4q31.3.
Variant type: single nucleotide variant.
Coding change: c.1402C>T on transcript NM_015271.5 (MANE Select); coding-DNA position 1402, C replaced by T.
Protein change: p.Pro468Ser; replaces proline 468 with serine.
Molecular consequence: missense variant.
Genome position (GRCh38, 1-based): chr4:153,295,928, C>T. VCF-style: chr4-153295928-C-T. GRCh37 (hg19) VCF-style: chr4-154217080-C-T.
Other names: c.1321C>T, p.Pro441Ser (NM_001130067.2, NM_001351056.2, NM_001375512.1 and 5 more transcripts); c.1375C>T, p.Pro459Ser (NM_001351054.2); c.1372C>T, p.Pro458Ser (NM_001351055.2); c.946C>T, p.Pro316Ser (NM_001351057.2); c.1495C>T, p.Pro499Ser (NM_001375488.1); c.1492C>T, p.Pro498Ser (NM_001375489.1); c.1345C>T, p.Pro449Ser (NM_001375490.1); c.1342C>T, p.Pro448Ser (NM_001375491.1); and 3 more; short protein forms P316S, P355S, P356S, P357S, P441S, P448S, P449S, P458S.
Identifiers: ClinVar variation 1716884 (VCV001716884.5), dbSNP rs2067279323, ClinGen allele CA358473634.

ClinVar aggregate classification (germline): Uncertain significance (1 of 4 stars; one submission).

Conditions:
Charcot-Marie-Tooth disease type 2R. Also called: Charcot-Marie-Tooth disease, axonal, type 2R; CHARCOT-MARIE-TOOTH DISEASE, AXONAL, AUTOSOMAL RECESSIVE, TYPE 2R; CHARCOT-MARIE-TOOTH NEUROPATHY, TYPE 2R. Identifiers: Orphanet 397968, MedGen C3809655, MONDO:0014208, OMIM 615490.

Allele frequency attached by ClinVar (database versions not stated): TOPMed below 0.00001.

Submission:

Labcorp Genetics (formerly Invitae), Labcorp
Classification: Uncertain significance for Charcot-Marie-Tooth disease type 2R. Last evaluated: 2022-07-18. Review status: criteria provided, single submitter. Criteria: Invitae Variant Classification Sherloc (09022015). Collection method: clinical testing. Allele origin: germline.
Comment: In summary, the available evidence is currently insufficient to determine the role of this variant in disease. Therefore, it has been classified as a Variant of Uncertain Significance. Algorithms developed to predict the effect of missense changes on protein structure and function are either unavailable or do not agree on the potential impact of this missense change (SIFT: "Deleterious"; PolyPhen-2: "Possibly Damaging"; Align-GVGD: "Class C0"). This variant has not been reported in the literature in individuals affected with TRIM2-related conditions. This variant is not present in population databases (gnomAD no frequency). This sequence change replaces proline, which is neutral and non-polar, with serine, which is neutral and polar, at codon 441 of the TRIM2 protein (p.Pro441Ser).